The following is an entry in ClinVar:

NM_001458.5(FLNC):c.3946T>C (p.Tyr1316His)

Gene: FLNC (filamin C; plus strand). Cytogenetic location: 7q32.1.
Variant type: single nucleotide variant.
Coding change: c.3946T>C on transcript NM_001458.5 (MANE Select); coding-DNA position 3946, T replaced by C.
Protein change: p.Tyr1316His; replaces tyrosine 1316 with histidine.
Molecular consequence: missense variant.
Genome position (GRCh38, 1-based): chr7:128,846,145, T>C. VCF-style: chr7-128846145-T-C. GRCh37 (hg19) VCF-style: chr7-128486199-T-C.
Other names: c.3946T>C, p.Tyr1316His (NM_001127487.2); short protein forms Y1316H.
Identifiers: ClinVar variation 3279227 (VCV003279227.1).

ClinVar aggregate classification (germline): Uncertain significance (1 of 4 stars; one submission).

Conditions:
Cardiovascular phenotype. Identifiers: MedGen CN230736.

Submission:

Ambry Genetics
Classification: Uncertain significance for Cardiovascular phenotype. Last evaluated: 2024-05-30. Review status: criteria provided, single submitter. Criteria: Ambry Variant Classification Scheme 2023. Collection method: clinical testing. Allele origin: germline.
Comment: The p.Y1316H variant (also known as c.3946T>C), located in coding exon 22 of the FLNC gene, results from a T to C substitution at nucleotide position 3946. The tyrosine at codon 1316 is replaced by histidine, an amino acid with similar properties. This amino acid position is conserved. In addition, this alteration is predicted to be deleterious by in silico analysis. Based on the available evidence, the clinical significance of this variant remains unclear.